The following is an entry in ClinVar:

ClinVar aggregate classification (germline): Uncertain significance. Review status: criteria provided, multiple submitters, no conflicts (2 of 4 stars). 2 submissions from 2 submitters: Uncertain significance (2). Last evaluated 2025-12-09.

Allele frequency attached by ClinVar (database versions not stated): gnomAD exomes below 0.00001.
gnomAD v4.1: 7 of 1,614,138 alleles (0.00043%); highest among the groups gnomAD compares: East Asian, 0.013%; no homozygotes.

Submissions (2):

Women's Health and Genetics/Laboratory Corporation of America, LabCorp
Classification: Uncertain significance. Last evaluated: 2025-12-09. Review status: criteria provided, single submitter. Criteria: LabCorp Variant Classification Summary - May 2015. Collection method: clinical testing. Allele origin: germline.
Comment: Variant summary: SETBP1 c.4079C>T (p.Thr1360Ile) results in a non-conservative amino acid change in the encoded protein sequence. Algorithms developed to predict the effect of missense changes on protein structure and function are either unavailable or do not agree on the potential impact of this missense change. The variant was absent in 251406 control chromosomes. The available data on variant occurrences in the general population are insufficient to allow any conclusion about variant significance. To our knowledge, no occurrence of c.4079C>T in individuals affected with SETBP1-related conditions and no experimental evidence demonstrating its impact on protein function have been reported. ClinVar contains an entry for this variant (Variation ID: 1350853). Based on the evidence outlined above, the variant was classified as uncertain significance.

Labcorp Genetics (formerly Invitae), Labcorp
Classification: Uncertain significance. Last evaluated: 2021-05-03. Review status: criteria provided, single submitter. Criteria: Invitae Variant Classification Sherloc (09022015). Collection method: clinical testing. Allele origin: germline.
Comment: In summary, the available evidence is currently insufficient to determine the role of this variant in disease. Therefore, it has been classified as a Variant of Uncertain Significance. Algorithms developed to predict the effect of missense changes on protein structure and function are either unavailable or do not agree on the potential impact of this missense change (SIFT: "Deleterious"; PolyPhen-2: "Possibly Damaging"; Align-GVGD: "Class C0"). This variant has not been reported in the literature in individuals with SETBP1-related conditions. This variant is not present in population databases (ExAC no frequency). This sequence change replaces threonine with isoleucine at codon 1360 of the SETBP1 protein (p.Thr1360Ile). The threonine residue is moderately conserved and there is a moderate physicochemical difference between threonine and isoleucine.

NM_015559.3(SETBP1):c.4079C>T (p.Thr1360Ile)

Gene: SETBP1 (SET binding protein 1; plus strand). Cytogenetic location: 18q12.3.
Variant type: single nucleotide variant.
Coding change: c.4079C>T on transcript NM_015559.3 (MANE Select); coding-DNA position 4079, C replaced by T.
Protein change: p.Thr1360Ile; replaces threonine 1360 with isoleucine.
Molecular consequence: missense variant.
Genome position (GRCh38, 1-based): chr18:45,038,563, C>T. VCF-style: chr18-45038563-C-T. GRCh37 (hg19) VCF-style: chr18-42618528-C-T.
Other names: c.4079C>T, p.Thr1360Ile (NM_001379141.1, NM_001379142.1); short protein forms T1360I.
Identifiers: ClinVar variation 1350853 (VCV001350853.9), dbSNP rs2073446362, ClinGen allele CA402482477.